The following is an entry in ClinVar:

ClinVar aggregate classification (germline): Pathogenic. Review status: criteria provided, multiple submitters, no conflicts (2 of 4 stars). 5 submissions from 5 submitters: Pathogenic (4). 1 of the submissions does not count toward it. Last evaluated 2025-12-06.

Conditions:
DRAM2-related disorder. Also called: DRAM2-related condition.
Cone-rod dystrophy 21. Also called: Retinal dystrophy with early macular involvement. Identifiers: Orphanet 1872, MedGen C4049066, MONDO:0014669, OMIM 616502, HP:0030635.
Retinal dystrophy. Also called: Inherited retinal dystrophy. Identifiers: Orphanet 71862, MedGen C0854723, MeSH D058499, MONDO:0019118, HP:0000556.

Allele frequency attached by ClinVar (database versions not stated): ExAC 0.00003; gnomAD 0.00003 and 0.00004; gnomAD exomes 0.00004 and 0.00021; ESP Exome Variant Server 0.00008.
gnomAD v4.1: 302 of 1,609,018 alleles (0.019%); highest among the groups gnomAD compares: Non-Finnish European, 0.025%; no homozygotes.

Submissions (5):

Labcorp Genetics (formerly Invitae), Labcorp
Classification: Pathogenic. Last evaluated: 2025-12-06. Review status: criteria provided, single submitter. Criteria: Invitae Variant Classification Sherloc (09022015). Collection method: clinical testing. Allele origin: germline.
Comment: This sequence change creates a premature translational stop signal (p.Trp165*) in the DRAM2 gene. It is expected to result in an absent or disrupted protein product. Loss-of-function variants in DRAM2 are known to be pathogenic (PMID: 25983245). This variant is present in population databases (rs201422368, gnomAD 0.007%). This premature translational stop signal has been observed in individual(s) with retinal dystrophy (PMID: 25983245). ClinVar contains an entry for this variant (Variation ID: 192239). For these reasons, this variant has been classified as Pathogenic.

PreventionGenetics, part of Exact Sciences
Classification: Pathogenic for DRAM2-related condition. Last evaluated: 2025-09-02. Review status: criteria provided, single submitter. Criteria: ACMG Guidelines, 2015. Collection method: clinical testing. Allele origin: germline.
Comment: The DRAM2 c.494G>A variant is predicted to result in premature protein termination (p.Trp165*). This variant has been reported in the compound heterozygous state in an individual with retinal dystrophy with early macular involvement (El-Asrag et al. 2015. PubMed ID: 25983245). This variant is reported in 0.0062% of alleles in individuals of European (Non-Finnish) descent in gnomAD. Nonsense variants in DRAM2 are expected to be pathogenic. This variant is interpreted as pathogenic.

Blueprint Genetics
Classification: Pathogenic for DRAM2-related disorders. Last evaluated: 2024-05-13. Review status: criteria provided, single submitter. Criteria: ACMG Guidelines, 2015. Collection method: clinical testing. Allele origin: germline. Affected: yes. Observed: 5 variant alleles.

Leeds Vision Research Group, University of Leeds
Classification: Pathogenic for Retinal Dystrophy. Last evaluated: 2014-11-01. Review status: criteria provided, single submitter. Criteria: Submitter's publication. Collection method: reference population. Allele origin: germline. Affected: yes. Observed: 1 compound heterozygote.

OMIM
Classification: Pathogenic for CONE-ROD DYSTROPHY 21. Last evaluated: 2015-05-12. Review status: no assertion criteria provided. Collection method: literature only. Allele origin: germline. Not counted in ClinVar's aggregate classification.

Literature cited by the submitters: PubMed 25983245 (cited by Labcorp Genetics (formerly Invitae), Labcorp and OMIM).

NM_001349884.2(DRAM2):c.494G>A (p.Trp165Ter)

Gene: DRAM2 (DNA damage regulated autophagy modulator 2; minus strand). Cytogenetic location: 1p13.3.
Variant type: single nucleotide variant.
Coding change: c.494G>A on transcript NM_001349884.2 (MANE Select); coding-DNA position 494, G replaced by A.
Protein change: p.Trp165Ter; replaces tryptophan 165 with a stop codon.
Molecular consequence: nonsense. On other transcripts: non-coding transcript variant (8).
Genome position (GRCh38, 1-based): chr1:111,120,539, C>T on the plus strand (G>A on the coding strand, the complement: DRAM2 is on the minus strand). VCF-style: chr1-111120539-C-T. GRCh37 (hg19) VCF-style: chr1-111663161-C-T.
Other names: DRAM2, TRP165TER (rs201422368); c.494G>A, p.Trp165Ter (NM_001349881.2, NM_001349882.2, NM_001349885.2 and 1 more transcripts); c.224G>A, p.Trp75Ter (NM_001349886.2, NM_001349887.2, NM_001349888.2); c.104G>A, p.Trp35Ter (NM_001349889.2, NM_001349890.2, NM_001349891.2 and 2 more transcripts); short protein forms W165*, W75*, W35*.
Identifiers: ClinVar variation 192239 (VCV000192239.13), dbSNP rs201422368, ClinGen allele CA200123.
Genomic context (GRCh38, chr1:111,120,539, plus strand): 5'-CTTTCCAAGTGTAGCCACATTGTACAGTGAAGGATACTGCTAAGTGCACTTACTCCACAC[C>T]AGATAACCAACAACAGTCTGATCCAGAAGACTTGTTTGCCATGGATTTTGGGCTGCATTT-3'